The following is an entry in ClinVar:

NM_004523.4(KIF11):c.693C>A (p.Tyr231Ter)

Gene: KIF11 (kinesin family member 11; plus strand). Cytogenetic location: 10q23.33.
Variant type: single nucleotide variant.
Coding change: c.693C>A on transcript NM_004523.4 (MANE Select); coding-DNA position 693, C replaced by A.
Protein change: p.Tyr231Ter; replaces tyrosine 231 with a stop codon.
Molecular consequence: nonsense.
Genome position (GRCh38, 1-based): chr10:92,609,504, C>A. VCF-style: chr10-92609504-C-A. GRCh37 (hg19) VCF-style: chr10-94369261-C-A.
Other names: short protein forms Y231*.
Identifiers: ClinVar variation 4622921 (VCV004622921.1).

ClinVar aggregate classification (germline): Pathogenic (1 of 4 stars; one submission).

Conditions:
Inborn genetic diseases. Identifiers: MedGen C0950123, MeSH D030342.

Submission:

Ambry Genetics
Classification: Pathogenic for Inborn genetic diseases. Last evaluated: 2025-10-21. Review status: criteria provided, single submitter. Criteria: Ambry Variant Classification Scheme 2023. Collection method: clinical testing. Allele origin: germline.
Comment: The c.693C>A (p.Y231*) alteration, located in exon 6 (coding exon 6) of the KIF11 gene, consists of a C to A substitution at nucleotide position 693. This changes the amino acid from a tyrosine (Y) to a stop codon at amino acid position 231. This alteration is expected to result in loss of function by premature protein truncation or nonsense-mediated mRNA decay. This variant was not reported in population-based cohorts in the Genome Aggregation Database (gnomAD). This variant was reported in an individual with features consistent with KIF11-related syndrome; (Kiel, 2024). Based on the available evidence, this alteration is classified as pathogenic.

Literature cited by the submitters: PubMed 39462066.